The following is an entry in ClinVar:

ClinVar aggregate classification (germline): Uncertain significance (1 of 4 stars; one submission).

Conditions:
Amyotrophic lateral sclerosis type 6. Also called: FUS-Related Amyotrophic Laterial Sclerosis; AMYOTROPHIC LATERAL SCLEROSIS 6 WITHOUT FRONTOTEMPORAL DEMENTIA; Amyotrophic lateral sclerosis 6, with or without frontotemporal dementia. Identifiers: Orphanet 275872, Orphanet 803, MedGen C2931786, MONDO:0011951, OMIM 608030.
Tremor, hereditary essential, 4 (ETM4). Identifiers: MedGen C3539195, MONDO:0013888, OMIM 614782.

gnomAD v4.1: 4 of 1,614,164 alleles (0.00025%); highest among the groups gnomAD compares: African/African-American, 0.0013%; no homozygotes.

Submission:

Labcorp Genetics (formerly Invitae), Labcorp
Classification: Uncertain significance for Tremor, hereditary essential, 4; Amyotrophic lateral sclerosis type 6. Last evaluated: 2025-04-17. Review status: criteria provided, single submitter. Criteria: Invitae Variant Classification Sherloc (09022015). Collection method: clinical testing. Allele origin: germline.
Comment: This sequence change falls in intron 11 of the FUS gene. It does not directly change the encoded amino acid sequence of the FUS protein. It affects a nucleotide within the consensus splice site. This variant is present in population databases (no rsID available, gnomAD no frequency). This variant has not been reported in the literature in individuals affected with FUS-related conditions. Variants that disrupt the consensus splice site are a relatively common cause of aberrant splicing (PMID: 17576681, 9536098). Algorithms developed to predict the effect of sequence changes on RNA splicing suggest that this variant is not likely to affect RNA splicing. In summary, the available evidence is currently insufficient to determine the role of this variant in disease. Therefore, it has been classified as a Variant of Uncertain Significance.

Literature cited by the submitters: PubMed 17576681; PubMed 9536098.

NM_004960.4(FUS):c.1168+3G>A

Gene: FUS (FUS RNA binding protein; plus strand). Cytogenetic location: 16p11.2.
Variant type: single nucleotide variant.
Coding change: c.1168+3G>A on transcript NM_004960.4 (MANE Select); 3 bases into the intron after coding-DNA position 1168, G replaced by A.
Molecular consequence: intron variant.
Genome position (GRCh38, 1-based): chr16:31,190,144, G>A. VCF-style: chr16-31190144-G-A. GRCh37 (hg19) VCF-style: chr16-31201465-G-A.
Other names: c.1156+3G>A (NM_001170937.1); c.1165+3G>A (NM_001170634.1).
Identifiers: ClinVar variation 4788365 (VCV004788365.1).
Genomic context (GRCh38, chr16:31,190,144, plus strand): 5'-CGCCGGGCAGACTTTAATCGGGGTGGTGGCAATGGTCGTGGAGGCCGAGGGCGAGGAGGT[G>A]AGGAGCTACCTGCTAGTGGTGCAGAGGGGTAATGGGGAGAGTGCAGAAGATGGTAAAGGC-3'